The following is an entry in ClinVar:

NM_002878.4(RAD51D):c.693_726del (p.Arg232fs)

Genes: RAD51L3-RFFL (RAD51L3-RFFL readthrough; minus strand), RAD51D (RAD51 paralog D; minus strand). Cytogenetic location: 17q12.
Variant type: Deletion.
Coding change: c.693_726del on transcript NM_002878.4 (MANE Select); coding-DNA positions 693 to 726, 34 bases deleted.
Protein change: p.Arg232fs; shifts the reading frame from arginine 232.
Molecular consequence: frameshift variant. On other transcripts: non-coding transcript variant (3).
Genome position (GRCh38, 1-based): chr17:35,103,266-35,103,299, 34 bases deleted; deleting any 34 consecutive bases within chr17:35,103,266-35,103,303 gives the same sequence; the c. name uses the placement nearest the transcript's 3' end. GRCh37 (hg19): chr17:33,430,289-33,430,322.
Other names: c.753_786del, p.Arg252fs (NM_001142571.2); c.357_390del, p.Arg120fs (NM_133629.3); c.693_726del34 (NM_002878.3); short protein forms R232fs, R252fs, R120fs.
Identifiers: ClinVar variation 826711 (VCV000826711.4), dbSNP rs1597858243, ClinGen allele CA915949977.
Genomic context (GRCh38, chr17:35,103,265, plus strand): 5'-GCTCGCAATAACTAGAAATCAAGTTCATTGGCCAAGCCTGCTTCCTCACCACCACTGCCA[TGCCAAGGTCCCGGGCCAGGGTCTTCAGCTCTCGG>T]GCCAGCTGCATCATCAAGGCCAAGCCTGCAGGAGGAGGAGAAGCAGAGAGGGAGGGCAGT-3'

ClinVar aggregate classification (germline): Pathogenic (1 of 4 stars; one submission).

Conditions:
Hereditary cancer-predisposing syndrome. Also called: Neoplastic Syndromes, Hereditary; Tumor predisposition; Hereditary neoplastic syndrome; Hereditary Cancer Syndrome. Identifiers: Orphanet 140162, MedGen C0027672, MeSH D009386, MONDO:0015356.

Submission:

Ambry Genetics
Classification: Pathogenic for Hereditary cancer-predisposing syndrome. Last evaluated: 2023-12-04. Review status: criteria provided, single submitter. Criteria: Ambry Variant Classification Scheme 2023. Collection method: clinical testing. Allele origin: germline.
Comment: The c.693_726del34 pathogenic mutation, located in coding exon 8 of the RAD51D gene, results from a deletion of 34 nucleotides at nucleotide positions 693 to 726, causing a translational frameshift with a predicted alternate stop codon (p.R232Wfs*5). This alteration is expected to result in loss of function by premature protein truncation or nonsense-mediated mRNA decay. As such, this alteration is interpreted as a disease-causing mutation.